The following is an entry in ClinVar:

NM_003024.3(ITSN1):c.1373T>C (p.Leu458Pro)

Gene: ITSN1 (intersectin 1; plus strand). Cytogenetic location: 21q22.11.
Variant type: single nucleotide variant.
Coding change: c.1373T>C on transcript NM_003024.3 (MANE Select); coding-DNA position 1373, T replaced by C.
Protein change: p.Leu458Pro; replaces leucine 458 with proline.
Molecular consequence: missense variant.
Genome position (GRCh38, 1-based): chr21:33,774,796, T>C. VCF-style: chr21-33774796-T-C. GRCh37 (hg19) VCF-style: chr21-35147100-T-C.
Other names: c.1373T>C, p.Leu458Pro (NM_001001132.2, NM_001331008.2, NM_001331009.2 and 2 more transcripts); c.1262T>C, p.Leu421Pro (NM_001331012.2); short protein forms L421P, L458P.
Identifiers: ClinVar variation 3372330 (VCV003372330.1).

ClinVar aggregate classification (germline): Uncertain significance (1 of 4 stars; one submission).

Submission:

GeneDx
Classification: Uncertain significance. Last evaluated: 2024-04-09. Review status: criteria provided, single submitter. Criteria: GeneDx Variant Classification Process June 2021. Collection method: clinical testing. Allele origin: germline. Affected: yes.
Comment: Not observed at significant frequency in large population cohorts (gnomAD); In silico analysis supports that this missense variant has a deleterious effect on protein structure/function; Has not been previously published as pathogenic or benign to our knowledge